The following is an entry in ClinVar:

ClinVar aggregate classification (germline): Pathogenic. Review status: reviewed by expert panel (3 of 4 stars). 3 submissions from 3 submitters: Pathogenic (1). 2 of the submissions do not count toward it. Last evaluated 2016-10-18.

Conditions:
Breast-ovarian cancer, familial, susceptibility to, 2 (BROVCA2). Also called: BRCA2 Hereditary Breast and Ovarian Cancer. Identifiers: Orphanet 145, MedGen C2675520, MONDO:0012933, OMIM 612555. Disease mechanism: loss of function.
Hereditary breast ovarian cancer syndrome. Also called: BRCA1- and BRCA2-Associated Hereditary Breast and Ovarian Cancer; Hereditary breast and ovarian cancer; Breast and ovarian cancer; Hereditary breast and/or ovarian cancer syndrome; Hereditary breast and ovarian cancer syndrome; Hereditary breast and ovarian cancer syndrome (HBOC). Identifiers: Orphanet 145, MedGen C0677776, MeSH D061325, MONDO:0003582. Disease mechanism: loss of function.

Submissions (3):

Evidence-based Network for the Interpretation of Germline Mutant Alleles (ENIGMA)
Classification: Pathogenic for Breast-ovarian cancer, familial, susceptibility to, 2. Last evaluated: 2016-10-18. Review status: reviewed by expert panel. Criteria: ENIGMA BRCA1/2 Classification Criteria (2015). Collection method: curation. Allele origin: germline.
Comment: Variant allele predicted to encode a truncated non-functional protein.

Consortium of Investigators of Modifiers of BRCA1/2 (CIMBA), c/o University of Cambridge
Classification: Pathogenic for Breast-ovarian cancer, familial, susceptibility to, 2. Last evaluated: 2015-10-02. Review status: criteria provided, single submitter. Criteria: CIMBA Mutation Classification guidelines May 2016. Collection method: clinical testing. Allele origin: germline. Not counted in ClinVar's aggregate classification.

Research Molecular Genetics Laboratory, Women's College Hospital, University of Toronto
Classification: Pathogenic for Hereditary breast ovarian cancer syndrome. Last evaluated: 2014-01-31. Review status: no assertion criteria provided. Collection method: research. Allele origin: germline. Affected: yes. Study: The Canadian Open Genetics Repository (COGR). Not counted in ClinVar's aggregate classification.

NM_000059.4(BRCA2):c.5115_5119delinsG (p.Ile1705fs)

Gene: BRCA2 (BRCA2 DNA repair associated; plus strand). Cytogenetic location: 13q13.1.
Variant type: Indel.
Coding change: c.5115_5119delinsG on transcript NM_000059.4 (MANE Select); coding-DNA positions 5115 to 5119, AAATA replaced by G.
Protein change: p.Ile1705fs; shifts the reading frame from isoleucine 1705.
Molecular consequence: frameshift variant.
Genome position (GRCh38, 1-based): chr13:32,339,470-32,339,474, AAATA replaced by G. VCF-style: chr13-32339470-AAATA-G. GRCh37 (hg19) VCF-style: chr13-32913607-AAATA-G.
Other names: 5343del5insG; short protein forms I1705fs.
Identifiers: ClinVar variation 266848 (VCV000266848.7), dbSNP rs886040565, ClinGen allele CA10589286.
Genomic context (GRCh38, chr13:32,339,470, plus strand): 5'-ATTACTTGAAGCAAAAAAATGGCTTAGAGAAGGAATATTTGATGGTCAACCAGAAAGAAT[AAATA>G]CTGCAGATTATGTAGGAAATTATTTGTATGAAAATAATTCAAACAGTACTATAGCTGAAA-3'